The following is an entry in ClinVar:

NM_153676.4(USH1C):c.569C>T (p.Ser190Leu)

Gene: USH1C (USH1 protein network component harmonin; minus strand). Cytogenetic location: 11p15.1.
Variant type: single nucleotide variant.
Coding change: c.569C>T on transcript NM_153676.4 (MANE Select); coding-DNA position 569, C replaced by T.
Protein change: p.Ser190Leu; replaces serine 190 with leucine.
Molecular consequence: missense variant. On other transcripts: non-coding transcript variant (1).
Genome position (GRCh38, 1-based): chr11:17,526,763, G>A on the plus strand (C>T on the coding strand, the complement: USH1C is on the minus strand). VCF-style: chr11-17526763-G-A. GRCh37 (hg19) VCF-style: chr11-17548310-G-A.
Other names: c.569C>T, p.Ser190Leu (NM_001297764.2, NM_005709.4); short protein forms S190L.
Identifiers: ClinVar variation 91968 (VCV000091968.11), dbSNP rs200319849, ClinGen allele CA232263.

ClinVar aggregate classification (germline): Uncertain significance. Review status: criteria provided, single submitter (1 of 4 stars). 4 submissions from 4 submitters: Uncertain significance (1). 3 of the submissions do not count toward it. Last evaluated 2022-03-19.

Conditions:
Autosomal recessive nonsyndromic hearing loss 18A. Also called: Deafness, autosomal recessive 18A; DEAFNESS, AUTOSOMAL RECESSIVE 18. Identifiers: Orphanet 90636, MedGen C1865870, MONDO:0011192, OMIM 602092.
Usher syndrome type 1C. Also called: USHER SYNDROME, TYPE I, ACADIAN VARIETY. Identifiers: Orphanet 231169, Orphanet 886, MedGen C1848604, MONDO:0010171, OMIM 276904.

Allele frequency attached by ClinVar (database versions not stated): 1000 Genomes Project 0.00020; 1000 Genomes Project 30x 0.00016; ExAC 0.00001.
gnomAD v4.1: 3 of 1,614,066 alleles (0.00019%); highest among the groups gnomAD compares: South Asian, 0.0011%; no homozygotes.

Submissions (4):

Labcorp Genetics (formerly Invitae), Labcorp
Classification: Uncertain significance. Last evaluated: 2022-03-19. Review status: criteria provided, single submitter. Criteria: Invitae Variant Classification Sherloc (09022015). Collection method: clinical testing. Allele origin: germline.
Comment: This sequence change replaces serine, which is neutral and polar, with leucine, which is neutral and non-polar, at codon 190 of the USH1C protein (p.Ser190Leu). This variant is present in population databases (rs200319849, gnomAD 0.0009%). This missense change has been observed in individual(s) with Usher syndrome (PMID: 21203349). ClinVar contains an entry for this variant (Variation ID: 91968). Algorithms developed to predict the effect of missense changes on protein structure and function are either unavailable or do not agree on the potential impact of this missense change (SIFT: "Deleterious"; PolyPhen-2: "Benign"; Align-GVGD: "Class C15"). In summary, the available evidence is currently insufficient to determine the role of this variant in disease. Therefore, it has been classified as a Variant of Uncertain Significance.

Natera, Inc.
Classification: Uncertain significance for Usher syndrome type 1C. Last evaluated: 2021-03-25. Review status: no assertion criteria provided. Collection method: clinical testing. Allele origin: germline. Not counted in ClinVar's aggregate classification.

Counsyl
Classification: Uncertain significance for Usher syndrome type 1C; Autosomal recessive nonsyndromic hearing loss 18A. Last evaluated: 2017-12-01. Review status: no assertion criteria provided. Collection method: clinical testing. Allele origin: unknown. Not counted in ClinVar's aggregate classification.

Richard Lifton Laboratory, Yale University School of Medicine
Classification: Uncertain significance. Review status: no assertion criteria provided. Collection method: not provided. Allele origin: somatic. Not counted in ClinVar's aggregate classification.
Comment: USH1C
ClinVar note: Converted during submission from unknown to Uncertain significance.

Literature cited by the submitters: PubMed 21203349 (cited by Labcorp Genetics (formerly Invitae), Labcorp and Counsyl).